The following is an entry in ClinVar:

ClinVar aggregate classification (germline): Uncertain significance. Review status: criteria provided, multiple submitters, no conflicts (2 of 4 stars). 3 submissions from 3 submitters: Uncertain significance (3). Last evaluated 2025-10-19.

Conditions:
Hereditary cancer-predisposing syndrome. Also called: Hereditary Cancer Syndrome; Tumor predisposition; Neoplastic Syndromes, Hereditary; Hereditary neoplastic syndrome. Identifiers: Orphanet 140162, MedGen C0027672, MeSH D009386, MONDO:0015356.

Allele frequency attached by ClinVar (database versions not stated): gnomAD exomes below 0.00001.
gnomAD v4.1: 1 of 1,608,964 alleles (0.000062%); highest among the groups gnomAD compares: Non-Finnish European, 0.000085%; no homozygotes.

Submissions (3):

Ambry Genetics
Classification: Uncertain significance for Hereditary cancer-predisposing syndrome. Last evaluated: 2025-10-19. Review status: criteria provided, single submitter. Criteria: Ambry Variant Classification Scheme 2023. Collection method: clinical testing. Allele origin: germline.
Comment: The p.P31S variant (also known as c.91C>T), located in coding exon 1 of the CTNNA1 gene, results from a C to T substitution at nucleotide position 91. The proline at codon 31 is replaced by serine, an amino acid with similar properties. This amino acid position is highly conserved in available vertebrate species. In addition, this alteration is predicted to be deleterious by in silico analysis. Based on the available evidence, the clinical significance of this variant remains unclear.

Labcorp Genetics (formerly Invitae), Labcorp
Classification: Uncertain significance. Last evaluated: 2024-01-12. Review status: criteria provided, single submitter. Criteria: Invitae Variant Classification Sherloc (09022015). Collection method: clinical testing. Allele origin: germline.
Comment: This sequence change replaces proline, which is neutral and non-polar, with serine, which is neutral and polar, at codon 31 of the CTNNA1 protein (p.Pro31Ser). This variant is not present in population databases (gnomAD no frequency). This variant has not been reported in the literature in individuals affected with CTNNA1-related conditions. ClinVar contains an entry for this variant (Variation ID: 863957). Advanced modeling of protein sequence and biophysical properties (such as structural, functional, and spatial information, amino acid conservation, physicochemical variation, residue mobility, and thermodynamic stability) has been performed at Invitae for this missense variant, however the output from this modeling did not meet the statistical confidence thresholds required to predict the impact of this variant on CTNNA1 protein function. In summary, the available evidence is currently insufficient to determine the role of this variant in disease. Therefore, it has been classified as a Variant of Uncertain Significance.

GeneDx
Classification: Uncertain significance. Last evaluated: 2023-08-03. Review status: criteria provided, single submitter. Criteria: GeneDx Variant Classification Process June 2021. Collection method: clinical testing. Allele origin: germline. Affected: yes.
Comment: Not observed at significant frequency in large population cohorts (gnomAD); In silico analysis supports that this missense variant has a deleterious effect on protein structure/function; Has not been previously published as pathogenic or benign to our knowledge

NM_001903.5(CTNNA1):c.91C>T (p.Pro31Ser)

Gene: CTNNA1 (catenin alpha 1; plus strand). Cytogenetic location: 5q31.2.
Variant type: single nucleotide variant.
Coding change: c.91C>T on transcript NM_001903.5 (MANE Select); coding-DNA position 91, C replaced by T.
Protein change: p.Pro31Ser; replaces proline 31 with serine.
Molecular consequence: missense variant. On other transcripts: 5 prime UTR variant (2).
Genome position (GRCh38, 1-based): chr5:138,782,015, C>T. VCF-style: chr5-138782015-C-T. GRCh37 (hg19) VCF-style: chr5-138117704-C-T.
Other names: c.91C>T, p.Pro31Ser (NM_001290307.3, NM_001323982.2, NM_001323983.1 and 3 more transcripts); c.-23C>T (NM_001290309.3); c.-116C>T (NM_001290310.3); c.91C>T (NM_001903.2); short protein forms P31S.
Identifiers: ClinVar variation 863957 (VCV000863957.14), dbSNP rs1755165546, ClinGen allele CA361477218.